The following is an entry in ClinVar:

ClinVar aggregate classification (germline): Uncertain significance. Review status: criteria provided, multiple submitters, no conflicts (2 of 4 stars). 3 submissions from 3 submitters: Uncertain significance (3). Last evaluated 2025-10-29.

Conditions:
Inborn genetic diseases. Identifiers: MedGen C0950123, MeSH D030342.
EAST syndrome (SESAMES). Also called: SEIZURES, SENSORINEURAL DEAFNESS, ATAXIA, IMPAIRED INTELLECTUAL DEVELOPMENT, AND ELECTROLYTE IMBALANCE. Identifiers: Orphanet 199343, MedGen C2748572, MONDO:0013005, OMIM 612780.

Allele frequency attached by ClinVar (database versions not stated): TOPMed below 0.00001; gnomAD exomes 0.00001 and 0.00002.
gnomAD v4.1: 6 of 1,612,784 alleles (0.00037%); highest among the groups gnomAD compares: Admixed American, 0.01%; no homozygotes.

Submissions (3):

Labcorp Genetics (formerly Invitae), Labcorp
Classification: Uncertain significance for EAST syndrome. Last evaluated: 2025-10-29. Review status: criteria provided, single submitter. Criteria: Invitae Variant Classification Sherloc (09022015). Collection method: clinical testing. Allele origin: germline.
Comment: This sequence change replaces glutamine, which is neutral and polar, with glutamic acid, which is acidic and polar, at codon 111 of the KCNJ10 protein (p.Gln111Glu). This variant is present in population databases (no rsID available, gnomAD 0.02%). This variant has not been reported in the literature in individuals affected with KCNJ10-related conditions. ClinVar contains an entry for this variant (Variation ID: 1331196). Invitae Evidence Modeling of protein sequence and biophysical properties (such as structural, functional, and spatial information, amino acid conservation, physicochemical variation, residue mobility, and thermodynamic stability) indicates that this missense variant is not expected to disrupt KCNJ10 protein function with a negative predictive value of 95%. In summary, the available evidence is currently insufficient to determine the role of this variant in disease. Therefore, it has been classified as a Variant of Uncertain Significance.

Ambry Genetics
Classification: Uncertain significance for Inborn genetic diseases. Last evaluated: 2025-09-05. Review status: criteria provided, single submitter. Criteria: Ambry Variant Classification Scheme 2023. Collection method: clinical testing. Allele origin: germline.

GeneDx
Classification: Uncertain significance. Last evaluated: 2021-06-28. Review status: criteria provided, single submitter. Criteria: GeneDx Variant Classification Process June 2021. Collection method: clinical testing. Allele origin: germline. Affected: yes.
Comment: In silico analysis supports that this missense variant does not alter protein structure/function; Has not been previously published as pathogenic or benign to our knowledge; This variant is associated with the following publications: (PMID: 27535533)

NM_002241.5(KCNJ10):c.331C>G (p.Gln111Glu)

Gene: KCNJ10 (potassium inwardly rectifying channel subfamily J member 10; minus strand). Cytogenetic location: 1q23.2.
Variant type: single nucleotide variant.
Coding change: c.331C>G on transcript NM_002241.5 (MANE Select); coding-DNA position 331, C replaced by G.
Protein change: p.Gln111Glu; replaces glutamine 111 with glutamic acid.
Molecular consequence: missense variant.
Genome position (GRCh38, 1-based): chr1:160,042,202, G>C on the plus strand (C>G on the coding strand, the complement: KCNJ10 is on the minus strand). VCF-style: chr1-160042202-G-C. GRCh37 (hg19) VCF-style: chr1-160011992-G-C.
Other names: short protein forms Q111E.
Identifiers: ClinVar variation 1331196 (VCV001331196.5), dbSNP rs1264459433, ClinGen allele CA343228450.